The following is an entry in ClinVar:

NC_000003.11:g.(?_130711775)_(130720194_?)del

Gene: ATP2C1 (ATPase secretory pathway Ca2+ transporting 1; plus strand). Cytogenetic location: 3q22.1.
Variant type: Deletion.
Identifiers: ClinVar variation 2425951 (VCV002425951.4).

ClinVar aggregate classification (germline): Pathogenic (1 of 4 stars; one submission).

Submission:

Labcorp Genetics (formerly Invitae), Labcorp
Classification: Pathogenic. Last evaluated: 2022-06-11. Review status: criteria provided, single submitter. Criteria: Invitae Variant Classification Sherloc (09022015). Collection method: clinical testing. Allele origin: germline.
Comment: For these reasons, this variant has been classified as Pathogenic. This variant disrupts a region of the ATP2C1 protein in which other variant(s) (p.Phe792Serfs*10) have been determined to be pathogenic (PMID: 10615129, 25837627, 28035777, 29944739; Invitae). This suggests that this is a clinically significant region of the protein, and that variants that disrupt it are likely to be disease-causing. A similar copy number variant has been observed in individual(s) with Hailey-Hailey disease (Invitae). This variant is a gross deletion of the genomic region encompassing exon(s) 20-27 of the ATP2C1 gene, which includes the termination codon. This deletion extends beyond the assayed region for this gene and therefore may encompass additional genes. While this deletion is not anticipated to lead to nonsense mediated decay, it is expected to alter mRNA translation or result in a truncated protein product.

Literature cited by the submitters: PubMed 10615129; PubMed 25837627; PubMed 28035777; PubMed 29944739.